The following is an entry in ClinVar:

NM_032790.4(ORAI1):c.265T>G (p.Ser89Ala)

Genes: ORAI1 (ORAI calcium release-activated calcium modulator 1; plus strand), LOC130008987 (ATAC-STARR-seq lymphoblastoid silent region 4981; plus strand). Cytogenetic location: 12q24.31.
Variant type: single nucleotide variant.
Coding change: c.265T>G on transcript NM_032790.4 (MANE Select); coding-DNA position 265, T replaced by G.
Protein change: p.Ser89Ala; replaces serine 89 with alanine.
Molecular consequence: missense variant. On other transcripts: non-coding transcript variant (1).
Genome position (GRCh38, 1-based): chr12:121,627,012, T>G. VCF-style: chr12-121627012-T-G.
Other names: short protein forms S89A.
Identifiers: ClinVar variation 2936618 (VCV002936618.3), dbSNP rs782283117, ClinGen allele CA6837425.
Genomic context (GRCh38, chr12:121,627,012, plus strand): 5'-CACTCCATGCAGGCGCTGTCCTGGCGCAAGCTCTACTTGAGCCGCGCCAAGCTTAAAGCC[T>G]CCAGCCGGACCTCGGCTCTGCTCTCCGGCTTCGCCATGGTGAGCTCCGGCCGCCCTGCCC-3'
Protein context (NP_116179.2, residues 79-99): LYLSRAKLKA[Ser89Ala]SRTSALLSGF

ClinVar aggregate classification (germline): Uncertain significance (1 of 4 stars; one submission).

Conditions:
Myopathy, tubular aggregate, 2 (TAM2). Identifiers: MedGen C4014557, MONDO:0014383, OMIM 615883.
Combined immunodeficiency due to ORAI1 deficiency. Also called: IMMUNODEFICIENCY 9. Identifiers: Orphanet 169090, Orphanet 317428, MedGen C2748568, MONDO:0013007, OMIM 612782.

Allele frequency attached by ClinVar (database versions not stated): gnomAD exomes 0.00001.

Submission:

Labcorp Genetics (formerly Invitae), Labcorp
Classification: Uncertain significance for Myopathy, tubular aggregate, 2; Combined immunodeficiency due to ORAI1 deficiency. Last evaluated: 2023-10-25. Review status: criteria provided, single submitter. Criteria: Invitae Variant Classification Sherloc (09022015). Collection method: clinical testing. Allele origin: germline.
Comment: This sequence change replaces serine, which is neutral and polar, with alanine, which is neutral and non-polar, at codon 89 of the ORAI1 protein (p.Ser89Ala). This variant is present in population databases (rs782283117, gnomAD 0.004%). This variant has not been reported in the literature in individuals affected with ORAI1-related conditions. Experimental studies and prediction algorithms are not available or were not evaluated, and the functional significance of this variant is currently unknown. In summary, the available evidence is currently insufficient to determine the role of this variant in disease. Therefore, it has been classified as a Variant of Uncertain Significance.